The following is an entry in ClinVar:

ClinVar aggregate classification (germline): Uncertain significance (1 of 4 stars; one submission).

Submission:

GeneDx
Classification: Uncertain significance. Last evaluated: 2024-02-09. Review status: criteria provided, single submitter. Criteria: GeneDx Variant Classification Process June 2021. Collection method: clinical testing. Allele origin: germline. Affected: yes.
Comment: Not observed at significant frequency in large population cohorts (gnomAD); In silico analysis supports that this missense variant has a deleterious effect on protein structure/function; Has not been previously published as pathogenic or benign to our knowledge

NM_001378964.1(CDON):c.2619T>G (p.Asn873Lys)

Gene: CDON (cell adhesion associated, oncogene regulated; minus strand). Cytogenetic location: 11q24.2.
Variant type: single nucleotide variant.
Coding change: c.2619T>G on transcript NM_001378964.1 (MANE Select); coding-DNA position 2619, T replaced by G.
Protein change: p.Asn873Lys; replaces asparagine 873 with lysine.
Molecular consequence: missense variant.
Genome position (GRCh38, 1-based): chr11:125,994,315, A>C on the plus strand (T>G on the coding strand, the complement: CDON is on the minus strand). VCF-style: chr11-125994315-A-C. GRCh37 (hg19) VCF-style: chr11-125864210-A-C.
Other names: c.2619T>G, p.Asn873Lys (NM_001243597.3, NM_016952.6); short protein forms N873K.
Identifiers: ClinVar variation 3369065 (VCV003369065.1).